The following is an entry in ClinVar:

ClinVar aggregate classification (germline): Uncertain significance (1 of 4 stars; one submission).

gnomAD v4.1: 1 of 1,614,230 alleles (0.000062%); highest among the groups gnomAD compares: Non-Finnish European, 0.000085%; no homozygotes.

Submission:

Labcorp Genetics (formerly Invitae), Labcorp
Classification: Uncertain significance. Last evaluated: 2021-12-10. Review status: criteria provided, single submitter. Criteria: Invitae Variant Classification Sherloc (09022015). Collection method: clinical testing. Allele origin: germline.
Comment: In summary, the available evidence is currently insufficient to determine the role of this variant in disease. Therefore, it has been classified as a Variant of Uncertain Significance. Algorithms developed to predict the effect of missense changes on protein structure and function are either unavailable or do not agree on the potential impact of this missense change (SIFT: "Not Available"; PolyPhen-2: "Probably Damaging"; Align-GVGD: "Not Available"). This variant has not been reported in the literature in individuals affected with TOP3A-related conditions. This variant is not present in population databases (gnomAD no frequency). This sequence change replaces asparagine, which is neutral and polar, with lysine, which is basic and polar, at codon 914 of the TOP3A protein (p.Asn914Lys).

NM_004618.5(TOP3A):c.2742C>G (p.Asn914Lys)

Gene: TOP3A (DNA topoisomerase III alpha; minus strand). Cytogenetic location: 17p11.2.
Variant type: single nucleotide variant.
Coding change: c.2742C>G on transcript NM_004618.5 (MANE Select); coding-DNA position 2742, C replaced by G.
Protein change: p.Asn914Lys; replaces asparagine 914 with lysine.
Molecular consequence: missense variant.
Genome position (GRCh38, 1-based): chr17:18,277,760, G>C on the plus strand (C>G on the coding strand, the complement: TOP3A is on the minus strand). VCF-style: chr17-18277760-G-C. GRCh37 (hg19) VCF-style: chr17-18181074-G-C.
Other names: c.2457C>G, p.Asn819Lys (NM_001320759.2); short protein forms N914K, N819K.
Identifiers: ClinVar variation 2039213 (VCV002039213.4), dbSNP rs763832794, ClinGen allele CA398623038.